The following is an entry in ClinVar:

NM_000199.5(SGSH):c.1309G>A (p.Glu437Lys)

Gene: SGSH (N-sulfoglucosamine sulfohydrolase; minus strand). Cytogenetic location: 17q25.3.
Variant type: single nucleotide variant.
Coding change: c.1309G>A on transcript NM_000199.5 (MANE Select); coding-DNA position 1309, G replaced by A.
Protein change: p.Glu437Lys; replaces glutamic acid 437 with lysine.
Molecular consequence: missense variant. On other transcripts: 3 prime UTR variant (2), non-coding transcript variant (1).
Genome position (GRCh38, 1-based): chr17:80,210,652, C>T on the plus strand (G>A on the coding strand, the complement: SGSH is on the minus strand). VCF-style: chr17-80210652-C-T. GRCh37 (hg19) VCF-style: chr17-78184451-C-T.
Other names: p.Glu437Lys; c.*396G>A (NM_001352921.3); c.*359G>A (NM_001352922.2); short protein forms E437K.
Identifiers: ClinVar variation 4886974 (VCV004886974.1).

ClinVar aggregate classification (germline): Likely pathogenic (1 of 4 stars; one submission).

Conditions:
Mucopolysaccharidosis, MPS-III-A (MPS3A). Also called: HEPARAN SULFATE SULFATASE DEFICIENCY; SANFILIPPO SYNDROME A; SULFAMIDASE DEFICIENCY; MPS III A; MUCOPOLYSACCHARIDOSIS, TYPE IIIA, ATTENUATED; Mucopolysaccharidosis type IIIA (Sanfilippo A). Identifiers: Orphanet 581, Orphanet 79269, MedGen C0086647, MONDO:0009655, OMIM 252900.

Submission:

Foundation for Research in Genetics and Endocrinology, FRIGE's Institute of Human Genetics
Classification: Likely pathogenic for Mucopolysaccharidosis, MPS-III-A. Last evaluated: 2021-10-21. Review status: criteria provided, single submitter. Criteria: ACMG Guidelines, 2015. Collection method: clinical testing. Allele origin: germline. Inheritance: Autosomal recessive inheritance. Affected: yes. Observed: 1 variant allele, 1 homozygote.
Comment: A homozygous missense variant in exon 8 of the SGSH gene that results in the amino acid substitution of Glutamic acid to Lysine at codon 437 was detected. The observed variant c.1309G>A (p.Glu437Lys) has not been reported in the 1000genomes and gnomAD databases. The in silico prediction of the variant is disease causing by MutationTaster, DANN, LRT and SIFT. In summary, the variant meets our criteria to be classified as likely pathogenic.